The following is an entry in ClinVar:

ClinVar aggregate classification (germline): Benign/Likely benign. Review status: criteria provided, multiple submitters, no conflicts (2 of 4 stars). 3 submissions from 3 submitters: Benign (1); Likely benign (2). Last evaluated 2026-08-01.

Allele frequency attached by ClinVar (database versions not stated): gnomAD exomes 0.00004; gnomAD 0.00007; TOPMed 0.00007; 1000 Genomes Project 30x 0.00016; 1000 Genomes Project 0.00020.
gnomAD v4.1: 66 of 1,502,782 alleles (0.0044%); highest among the groups gnomAD compares: Admixed American, 0.011%; no homozygotes.

Submissions (3):

CeGaT Center for Human Genetics Tuebingen
Classification: Likely benign. Last evaluated: 2026-08-01. Review status: criteria provided, single submitter. Criteria: CeGaT Center For Human Genetics Tuebingen Variant Classification Criteria Version 2. Collection method: clinical testing. Allele origin: germline. Affected: yes. Observed: 1 variant allele.
Comment: PIEZO1: BP4, BP7

Labcorp Genetics (formerly Invitae), Labcorp
Classification: Benign. Last evaluated: 2025-07-23. Review status: criteria provided, single submitter. Criteria: Invitae Variant Classification Sherloc (09022015). Collection method: clinical testing. Allele origin: germline.

ARUP Laboratories, Molecular Genetics and Genomics, ARUP Laboratories
Classification: Likely benign. Last evaluated: 2023-05-11. Review status: criteria provided, single submitter. Criteria: ARUP Molecular Germline Variant Investigation Process 2024. Collection method: clinical testing. Allele origin: germline.

NM_001142864.4(PIEZO1):c.4785C>T (p.Gly1595=)

Gene: PIEZO1 (piezo type mechanosensitive ion channel component 1 (Er blood group); minus strand). Cytogenetic location: 16q24.3.
Variant type: single nucleotide variant.
Coding change: c.4785C>T on transcript NM_001142864.4 (MANE Select); coding-DNA position 4785, C replaced by T.
Protein change: p.Gly1595=; no amino-acid change (glycine 1595 retained).
Molecular consequence: synonymous variant.
Genome position (GRCh38, 1-based): chr16:88,722,388, G>A on the plus strand (C>T on the coding strand, the complement: PIEZO1 is on the minus strand). VCF-style: chr16-88722388-G-A. GRCh37 (hg19) VCF-style: chr16-88788796-G-A.
Other names: c.3327C>T, p.Gly1109= (NM_014745.1).
Identifiers: ClinVar variation 2920905 (VCV002920905.4), dbSNP rs572923230, ClinGen allele CA286409764.